The following is an entry in ClinVar:

ClinVar aggregate classification (germline): Uncertain significance (1 of 4 stars; one submission).

Conditions:
Neurodevelopmental disorder with or without variable brain abnormalities; NEDBA. Also called: NEURODEVELOPMENTAL DISORDER WITH OR WITHOUT VARIABLE BRAIN ABNORMALITIES. Identifiers: MedGen C5193102, MONDO:0032755, OMIM 618443.

Allele frequency attached by ClinVar (database versions not stated): gnomAD 0.00001; TOPMed 0.00001.

Submission:

Baylor Genetics
Classification: Uncertain significance for Neurodevelopmental disorder with or without variable brain abnormalities; NEDBA. Last evaluated: 2020-03-20. Review status: criteria provided, single submitter. Criteria: ACMG Guidelines, 2015. Collection method: clinical testing. Allele origin: unknown. Affected: yes.
Comment: This variant was determined to be of uncertain significance according to ACMG Guidelines, 2015 [PMID:25741868].

NM_001318852.2(MAPK8IP3):c.685C>T (p.Pro229Ser)

Gene: MAPK8IP3 (mitogen-activated protein kinase 8 interacting protein 3; plus strand). Cytogenetic location: 16p13.3.
Variant type: single nucleotide variant.
Coding change: c.685C>T on transcript NM_001318852.2 (MANE Select); coding-DNA position 685, C replaced by T.
Protein change: p.Pro229Ser; replaces proline 229 with serine.
Molecular consequence: missense variant.
Genome position (GRCh38, 1-based): chr16:1,743,414, C>T. VCF-style: chr16-1743414-C-T. GRCh37 (hg19) VCF-style: chr16-1793415-C-T.
Other names: c.682C>T, p.Pro228Ser (NM_001040439.2, NM_015133.5); short protein forms P228S, P229S.
Identifiers: ClinVar variation 1028986 (VCV001028986.1), dbSNP rs1209951363, ClinGen allele CA394227212.